The following is an entry in ClinVar:

NM_148897.3(SDR9C7):c.839G>A (p.Gly280Asp)

Gene: SDR9C7 (short chain dehydrogenase/reductase family 9C member 7; minus strand). Cytogenetic location: 12q13.3.
Variant type: single nucleotide variant.
Coding change: c.839G>A on transcript NM_148897.3 (MANE Select); coding-DNA position 839, G replaced by A.
Protein change: p.Gly280Asp; replaces glycine 280 with aspartic acid.
Molecular consequence: missense variant.
Genome position (GRCh38, 1-based): chr12:56,923,936, C>T on the plus strand (G>A on the coding strand, the complement: SDR9C7 is on the minus strand). VCF-style: chr12-56923936-C-T. GRCh37 (hg19) VCF-style: chr12-57317720-C-T.
Other names: short protein forms G280D.
Identifiers: ClinVar variation 2044296 (VCV002044296.4), dbSNP rs2547918010, ClinGen allele CA385380788.

ClinVar aggregate classification (germline): Uncertain significance (1 of 4 stars; one submission).

gnomAD v4.1: 1 of 1,614,078 alleles (0.000062%); no homozygotes.

Submission:

Labcorp Genetics (formerly Invitae), Labcorp
Classification: Uncertain significance. Last evaluated: 2021-12-16. Review status: criteria provided, single submitter. Criteria: Invitae Variant Classification Sherloc (09022015). Collection method: clinical testing. Allele origin: germline.
Comment: This variant is not present in population databases (gnomAD no frequency). This sequence change replaces glycine, which is neutral and non-polar, with aspartic acid, which is acidic and polar, at codon 280 of the SDR9C7 protein (p.Gly280Asp). This variant has not been reported in the literature in individuals affected with SDR9C7-related conditions. In summary, the available evidence is currently insufficient to determine the role of this variant in disease. Therefore, it has been classified as a Variant of Uncertain Significance. Algorithms developed to predict the effect of missense changes on protein structure and function are either unavailable or do not agree on the potential impact of this missense change (SIFT: "Deleterious"; PolyPhen-2: "Probably Damaging"; Align-GVGD: "Class C0").